The following is an entry in ClinVar:

NM_021098.3(CACNA1H):c.217C>T (p.Pro73Ser)

Gene: CACNA1H (calcium voltage-gated channel subunit alpha1 H; plus strand). Cytogenetic location: 16p13.3.
Variant type: single nucleotide variant.
Coding change: c.217C>T on transcript NM_021098.3 (MANE Select); coding-DNA position 217, C replaced by T.
Protein change: p.Pro73Ser; replaces proline 73 with serine.
Molecular consequence: missense variant.
Genome position (GRCh38, 1-based): chr16:1,153,954, C>T. VCF-style: chr16-1153954-C-T. GRCh37 (hg19) VCF-style: chr16-1203954-C-T.
Other names: c.217C>T, p.Pro73Ser (NM_001005407.2); short protein forms P73S.
Identifiers: ClinVar variation 648914 (VCV000648914.9), dbSNP rs1596271034, ClinGen allele CA394145870.

ClinVar aggregate classification (germline): Uncertain significance. Review status: criteria provided, multiple submitters, no conflicts (2 of 4 stars). 2 submissions from 2 submitters: Uncertain significance (2). Last evaluated 2026-02-02.

Conditions:
Hyperaldosteronism, familial, type IV (HALD4). Also called: FH IV; ALDOSTERONISM, PRIMARY, AND HYPERTENSION. Identifiers: Orphanet 642671, MedGen C4310756, MONDO:0014875, OMIM 617027.
Idiopathic generalized epilepsy. Also called: Generalised epilepsy; EIG. Identifiers: MedGen C0270850, MONDO:0005579, OMIM 600669.
Inborn genetic diseases. Identifiers: MedGen C0950123, MeSH D030342.

gnomAD v4.1: 9 of 1,452,480 alleles (0.00062%); highest among the groups gnomAD compares: Admixed American, 0.012%; no homozygotes.

Submissions (2):

Labcorp Genetics (formerly Invitae), Labcorp
Classification: Uncertain significance for Idiopathic generalized epilepsy; Hyperaldosteronism, familial, type IV. Last evaluated: 2026-02-02. Review status: criteria provided, single submitter. Criteria: Invitae Variant Classification Sherloc (09022015). Collection method: clinical testing. Allele origin: germline.
Comment: This sequence change replaces proline, which is neutral and non-polar, with serine, which is neutral and polar, at codon 73 of the CACNA1H protein (p.Pro73Ser). This variant is not present in population databases (gnomAD no frequency). This variant has not been reported in the literature in individuals affected with CACNA1H-related conditions. ClinVar contains an entry for this variant (Variation ID: 648914). Invitae Evidence Modeling of protein sequence and biophysical properties (such as structural, functional, and spatial information, amino acid conservation, physicochemical variation, residue mobility, and thermodynamic stability) indicates that this missense variant is not expected to disrupt CACNA1H protein function with a negative predictive value of 80%. In summary, the available evidence is currently insufficient to determine the role of this variant in disease. Therefore, it has been classified as a Variant of Uncertain Significance.

Ambry Genetics
Classification: Uncertain significance for Inborn genetic diseases. Last evaluated: 2024-01-31. Review status: criteria provided, single submitter. Criteria: Ambry Variant Classification Scheme 2023. Collection method: clinical testing. Allele origin: germline.